The following is an entry in ClinVar:

NM_032977.4(CASP10):c.*3137G>C

Gene: CASP10 (caspase 10; plus strand). Cytogenetic location: 2q33.1.
Variant type: single nucleotide variant.
Coding change: c.*3137G>C on transcript NM_032977.4 (MANE Select); 3137 bases downstream of the stop codon, G replaced by C.
Molecular consequence: 3 prime UTR variant. On other transcripts: intron variant (2).
Genome position (GRCh38, 1-based): chr2:201,220,878, G>C. VCF-style: chr2-201220878-G-C. GRCh37 (hg19) VCF-style: chr2-202085601-G-C.
Other names: c.*3137G>C (NM_001206524.2, NM_001230.5); c.*3792G>C (NM_032976.4); c.1416-8055G>C (NM_032974.5); c.1287-8055G>C (NM_001206542.2).
Identifiers: ClinVar variation 333490 (VCV000333490.5), dbSNP rs41522046, ClinGen allele CA10613777.

ClinVar aggregate classification (germline): Benign (1 of 4 stars; one submission).

Conditions:
Autoimmune lymphoproliferative syndrome type 2A (ALPS2A). Also called: CASP10-Related Autoimmune Lymphoproliferative Syndrome; AUTOIMMUNE LYMPHOPROLIFERATIVE SYNDROME, TYPE IIA; Autoimmune lymphoproliferative syndrome type 2. Identifiers: Orphanet 3261, MedGen C1858968, MONDO:0011383, OMIM 603909.

Allele frequency attached by ClinVar (database versions not stated): 1000 Genomes Project 0.00379; gnomAD 0.00393 and 0.00417; 1000 Genomes Project 30x 0.00422; TOPMed 0.00436.
gnomAD v4.1: 859 of 985,456 alleles (0.087%); highest among the groups gnomAD compares: African/African-American, 1.4%; 6 homozygotes.

Submission:

Illumina Laboratory Services, Illumina
Classification: Benign for Autoimmune lymphoproliferative syndrome type 2A. Last evaluated: 2018-01-12. Review status: criteria provided, single submitter. Criteria: ICSL Variant Classification Criteria 13 December 2019. Collection method: clinical testing. Allele origin: germline.
Comment: This variant was observed in the ICSL laboratory as part of a predisposition screen in an ostensibly healthy population. It had not been previously curated by ICSL or reported in the Human Gene Mutation Database (HGMD: prior to June 1st, 2018), and was therefore a candidate for classification through an automated scoring system. Utilizing variant allele frequency, disease prevalence and penetrance estimates, and inheritance mode, an automated score was calculated to assess if this variant is too frequent to cause the disease. Based on the score and internal cut-off values, a variant classified as benign is not then subjected to further curation. The score for this variant resulted in a classification of benign for this disease.